The following is an entry in ClinVar:

ClinVar aggregate classification (germline): Likely benign (1 of 4 stars; one submission).

Allele frequency attached by ClinVar (database versions not stated): gnomAD 0.00030; 1000 Genomes Project 30x 0.00265; 1000 Genomes Project 0.00280; ExAC 0.00334.
gnomAD v4.1: 570 of 1,458,990 alleles (0.039%); highest among the groups gnomAD compares: South Asian, 0.68%; 10 homozygotes.

Submission:

CeGaT Center for Human Genetics Tuebingen
Classification: Likely benign. Last evaluated: 2023-04-01. Review status: criteria provided, single submitter. Criteria: CeGaT Center For Human Genetics Tuebingen Variant Classification Criteria Version 2. Collection method: clinical testing. Allele origin: germline. Affected: yes. Observed: 1 variant allele.
Comment: GDF7: BS2

NM_182828.4(GDF7):c.304A>G (p.Arg102Gly)

Gene: GDF7 (growth differentiation factor 7; plus strand). Cytogenetic location: 2p24.1.
Variant type: single nucleotide variant.
Coding change: c.304A>G on transcript NM_182828.4 (MANE Select); coding-DNA position 304, A replaced by G.
Protein change: p.Arg102Gly; replaces arginine 102 with glycine.
Molecular consequence: missense variant.
Genome position (GRCh38, 1-based): chr2:20,667,543, A>G. VCF-style: chr2-20667543-A-G. GRCh37 (hg19) VCF-style: chr2-20867303-A-G.
Other names: short protein forms R102G.
Identifiers: ClinVar variation 2650707 (VCV002650707.24), dbSNP rs575138523, ClinGen allele CA1546013.
Genomic context (GRCh38, chr2:20,667,543, plus strand): 5'-AGGAACGGCTCGGTGGTGCCGCACCACTTCATGATGTCGCTTTACCGGAGCCTGGCCGGG[A>G]GGGCTCCGGCCGGGGCAGCCGCTGTCTCCGCCTCGGGCCATGGTCGCGCGGACACGATCA-3'
Protein context (NP_878248.2, residues 92-112): MMSLYRSLAG[Arg102Gly]APAGAAAVSA